The following is an entry in ClinVar:

ClinVar aggregate classification (germline): Pathogenic/Likely pathogenic. Review status: criteria provided, multiple submitters, no conflicts (2 of 4 stars). 2 submissions from 2 submitters: Pathogenic (1); Likely pathogenic (1). Last evaluated 2023-08-04.

Conditions:
COL4A5-related disorders.

Submissions (2):

Labcorp Genetics (formerly Invitae), Labcorp
Classification: Pathogenic. Last evaluated: 2023-08-04. Review status: criteria provided, single submitter. Criteria: Invitae Variant Classification Sherloc (09022015). Collection method: clinical testing. Allele origin: germline.
Comment: For these reasons, this variant has been classified as Pathogenic. Algorithms developed to predict the effect of sequence changes on RNA splicing suggest that this variant may disrupt the consensus splice site. ClinVar contains an entry for this variant (Variation ID: 2031452). Disruption of this splice site has been observed in individuals with clinical features of Alport syndrome (PMID: 31328266; Invitae). This variant is not present in population databases (gnomAD no frequency). This sequence change affects a donor splice site in intron 27 of the COL4A5 gene. It is expected to disrupt RNA splicing. Variants that disrupt the donor or acceptor splice site typically lead to a loss of protein function (PMID: 16199547), and loss-of-function variants in COL4A5 are known to be pathogenic (PMID: 9195222, 10752524, 14514738, 24854265, 26809805).

Blueprint Genetics
Classification: Likely pathogenic for COL4A5-related disorders. Last evaluated: 2020-10-23. Review status: criteria provided, single submitter. Criteria: ACMG Guidelines, 2015. Collection method: clinical testing. Allele origin: germline. Affected: yes. Observed: 1 variant allele.

Literature cited by the submitters: PubMed 31328266 (cited by Labcorp Genetics (formerly Invitae), Labcorp); PubMed 16199547 (cited by Labcorp Genetics (formerly Invitae), Labcorp); PubMed 9195222 (cited by Labcorp Genetics (formerly Invitae), Labcorp); PubMed 10752524 (cited by Labcorp Genetics (formerly Invitae), Labcorp); PubMed 14514738 (cited by Labcorp Genetics (formerly Invitae), Labcorp); PubMed 24854265 (cited by Labcorp Genetics (formerly Invitae), Labcorp); PubMed 26809805 (cited by Labcorp Genetics (formerly Invitae), Labcorp).

NM_033380.3(COL4A5):c.2146+1G>T

Gene: COL4A5 (collagen type IV alpha 5 chain; plus strand). Cytogenetic location: Xq22.3.
Variant type: single nucleotide variant.
Coding change: c.2146+1G>T on transcript NM_033380.3 (MANE Select); the canonical splice donor site of the intron after coding-DNA position 2146, G replaced by T.
Molecular consequence: splice donor variant.
Genome position (GRCh38, 1-based): chrX:108,601,990, G>T. VCF-style: chrX-108601990-G-T. GRCh37 (hg19) VCF-style: chrX-107845220-G-T.
Other names: c.2146+1G>T (NM_000495.5).
Identifiers: ClinVar variation 2031452 (VCV002031452.5), dbSNP rs2524329089, ClinGen allele CA413847108.
Genomic context (GRCh38, chrX:108,601,990, plus strand): 5'-GTAGCAAAGGAGAACCAGGTATCCCTGGAATTGGGCTTCCTGGACCACCTGGTCCCAAAG[G>T]TATGTTGGAATGGGTAGCAGGCAGAGTAGGTTAGAAGTTTAGCATGATGTTATTCTCTCA-3'